The following is an entry in ClinVar:

NM_018082.6(POLR3B):c.1568T>A (p.Val523Glu)

Gene: POLR3B (RNA polymerase III subunit B; plus strand). Cytogenetic location: 12q23.3.
Variant type: single nucleotide variant.
Coding change: c.1568T>A on transcript NM_018082.6 (MANE Select); coding-DNA position 1568, T replaced by A.
Protein change: p.Val523Glu; replaces valine 523 with glutamic acid.
Molecular consequence: missense variant.
Genome position (GRCh38, 1-based): chr12:106,432,421, T>A. VCF-style: chr12-106432421-T-A. GRCh37 (hg19) VCF-style: chr12-106826199-T-A.
Other names: rs138249161; NM_018082.5(POLR3B):c.1568T>A; p.V523E; c.1394T>A, p.Val465Glu (NM_001160708.2); short protein forms V523E, V465E.
Identifiers: ClinVar variation 31166 (VCV000031166.92), dbSNP rs138249161, ClinGen allele CA343328.

ClinVar aggregate classification (germline): Pathogenic/Likely pathogenic. Review status: criteria provided, multiple submitters, no conflicts (2 of 4 stars). 35 submissions from 35 submitters: Pathogenic (22); Likely pathogenic (4). 9 of the submissions do not count toward it. Last evaluated 2026-10-07.

Conditions:
Hypogonadotropic hypogonadism 7 with or without anosmia (HH7). Also called: HYPOGONADOTROPIC HYPOGONADISM 7 WITHOUT ANOSMIA; GNRHR-Related GnRH Deficiency. Identifiers: Orphanet 432, MedGen C0342384, MONDO:0007794, OMIM 146110.
Leukodystrophy, hypomyelinating, 7, with or without oligodontia and/or hypogonadotropic hypogonadism (HLD7). Also called: Ataxia, Delayed Dentition and Hypomyelination (ADDH); LEUKOENCEPHALOPATHY, HYPOMYELINATING, WITH ATAXIA AND DELAYED DENTITION; ATAXIA, DELAYED DENTITION, AND HYPOMYELINATION; LEUKODYSTROPHY, HYPOMYELINATING, 7, WITH OLIGODONTIA; LEUKODYSTROPHY, HYPOMYELINATING, 7, WITH OLIGODONTIA AND HYPOGONADOTROPIC HYPOGONADISM; LEUKODYSTROPHY, HYPOMYELINATING, 7, WITHOUT OLIGODONTIA OR HYPOGONADOTROPIC HYPOGONADISM. Identifiers: Orphanet 137639, Orphanet 447893, Orphanet 447896, Orphanet 77295, Orphanet 88637, MedGen CN034185, MONDO:0011897, OMIM 607694.
Leukodystrophy, hypomyelinating, 8, with or without oligodontia and/or hypogonadotropic hypogonadism. Also called: LEUKODYSTROPHY, HYPOMYELINATING, 8, WITH HYPODONTIA AND HYPOGONADOTROPIC HYPOGONADISM; Endosteal sclerosis-cerebellar hypoplasia syndrome; Hypomyelinating leukodystrophy 8 with or without oligodontia and-or hypogonadotropic hypogonadism. Identifiers: Orphanet 85186, Orphanet 88637, MedGen C3280644, MONDO:0013722, OMIM 614381.
Charcot-Marie-Tooth disease, demyelinating, IIA 1I. Also called: CHARCOT-MARIE-TOOTH NEUROPATHY, TYPE 1I; Charcot-Marie-Tooth disease, demyelinating, type 1I. Identifiers: MedGen C5676914, MONDO:0030677, OMIM 619742.
POLR3B-related disorder. Also called: POLR3B-related condition; POLR3B-related disorders. Identifiers: MedGen CN378588, MONDO:0700277.
Hypogonadotropic hypogonadism. Also called: Hypogonadotropic hypogonadism with or without anosmia; Hypogonadotrophic hypogonadism; Isolated hypogonadotropic hypogonadism; Low gonadotropins (secondary hypogonadism). Identifiers: Orphanet 432, MedGen C0271623, MONDO:0018555, HP:0000044.
POLR-related leukodystrophy. Also called: 4H leukodystrophy. Identifiers: Orphanet 289494, MedGen C5679947, MONDO:0100605.
Ataxia. Identifiers: MedGen C0004134, HP:0001251.

Allele frequency attached by ClinVar (database versions not stated): gnomAD exomes 0.00027 and 0.00044; ESP Exome Variant Server 0.00031; 1000 Genomes Project 30x 0.00016; 1000 Genomes Project 0.00020; ExAC 0.00028; gnomAD 0.00031 and 0.00028; TOPMed 0.00036.
gnomAD v4.1: 674 of 1,613,334 alleles (0.042%); highest among the groups gnomAD compares: Non-Finnish European, 0.055%; no homozygotes.

Submissions 1 to 11 of 35:

GeneDx
Classification: Pathogenic. Last evaluated: 2026-10-07. Review status: criteria provided, single submitter. Criteria: GeneDx Variant Classification Process June 2021. Collection method: clinical testing. Allele origin: germline.
Comment: In silico analysis supports that this missense variant has a deleterious effect on protein structure/function; This variant is associated with the following publications: (PMID: 26113998, 26204956, 22036172, 26045207, 23355746, 27512013, 25131622, 29878067, 28589944, 24190003, 29552364, 29389947, 31221184, 32319736, 31589614, 32342562, 25339210, 35253369, 34758253, 39039281, 37197783, 40498034, 35012964, 37787810, 35620261, 37974060, 34737199, 40571342)

CeGaT Center for Human Genetics Tuebingen
Classification: Pathogenic. Last evaluated: 2026-05-01. Review status: criteria provided, single submitter. Criteria: CeGaT Center For Human Genetics Tuebingen Variant Classification Criteria Version 2. Collection method: clinical testing. Allele origin: germline. Affected: yes. Observed: 7 variant alleles.
Comment: POLR3B: PM3:Very Strong, PP1:Strong, PM2

Clinical Genetics Laboratory, Skane University Hospital Lund
Classification: Pathogenic for Ataxia. Last evaluated: 2026-04-24. Review status: criteria provided, single submitter. Criteria: ACMG Guidelines, 2015. Collection method: clinical testing. Allele origin: germline. Inheritance: Autosomal recessive inheritance. Affected: yes.
Comment: Detected in trans (trio analysis) with a likely pathogenic variant (NM_018082.6(POLR3B):c.1102-1G>T;p.?). ACMG criteria applied: PM2, PM3_very strong, PP3.

3billion
Classification: Likely pathogenic for Leukodystrophy, hypomyelinating, 8, with or without oligodontia and/or hypogonadotropic hypogonadism. Last evaluated: 2025-12-31. Review status: criteria provided, single submitter. Criteria: ACMG Guidelines, 2015. Collection method: clinical testing. Allele origin: germline. Affected: yes.
Comment: The variant is observed at an extremely low frequency in the gnomAD v4.1.0 dataset (total allele frequency: 0.042%). Predicted Consequence/Location: Missense variant In silico tool predictions suggest damaging effect of the variant on gene or gene product [REVEL: 0.76 (>=0.6, sensitivity 0.68 and specificity 0.92); 3Cnet: 0.99 (> 0.75, sensitivity 0.96 and precision 0.92)]. The same nucleotide change resulting in the same amino acid change has been previously reported as pathogenic/likely pathogenic with strong evidence (ClinVar ID: VCV000031166 /PMID: 22036172). Therefore, this variant is classified as Likely pathogenic according to the recommendation of ACMG/AMP guideline.

PreventionGenetics, part of Exact Sciences
Classification: Pathogenic for POLR3B-related condition. Last evaluated: 2025-12-03. Review status: criteria provided, single submitter. Criteria: ACMG Guidelines, 2015. Collection method: clinical testing. Allele origin: germline.
Comment: The POLR3B c.1568T>A variant is predicted to result in the amino acid substitution p.Val523Glu. This variant has been reported many times in the compound heterozygous state in individuals with hypomyelinating leukodystrophy (Tétreault et al. 2011. PubMed ID: 22036172; Battini et al. 2015. PubMed ID: 26204956; Billington et al. 2015. PubMed ID: 26113998; Daoud et al. 2013. PubMed ID: 23355746; Ghoumid et al. 2017. PubMed ID: 28589944). This variant is reported in 0.061% of alleles in individuals of European (Non-Finnish) descent in gnomAD. This variant is interpreted as pathogenic.

Dasa
Classification: Pathogenic. Last evaluated: 2025-09-26. Review status: criteria provided, single submitter. Criteria: DASA Assertion Criteria. Collection method: clinical testing. Allele origin: germline.
Comment: NM_018082.6(POLR3B):c.1568T>A (p.Val523Glu) is a missense variant that results in the substitution of valine with glutamic acid. This variant has been recurrently observed in individuals with related phenotype (PMID: 22036172; PMID: 25339210; PMID: 23355746; PMID: 28589944; PMID: 32319736). Segregation evidence has been reported in affected families. Multiple computational predictions support a deleterious effect on the gene or gene product. The variant is present at low frequency in population datasets. Based on the available data, this variant is classified as pathogenic.

Revvity Omics, Revvity
Classification: Pathogenic. Last evaluated: 2025-07-09. Review status: criteria provided, single submitter. Criteria: ACMG Guidelines, 2015. Collection method: clinical testing. Allele origin: germline.

Labcorp Genetics (formerly Invitae), Labcorp
Classification: Pathogenic. Last evaluated: 2024-12-19. Review status: criteria provided, single submitter. Criteria: Invitae Variant Classification Sherloc (09022015). Collection method: clinical testing. Allele origin: germline.
Comment: This sequence change replaces valine, which is neutral and non-polar, with glutamic acid, which is acidic and polar, at codon 523 of the POLR3B protein (p.Val523Glu). This variant is present in population databases (rs138249161, gnomAD 0.06%). This missense change has been observed in individual(s) with autosomal recessive hypomyelinating leukodystrophy (PMID: 22036172, 23355746, 25339210). In at least one individual the data is consistent with being in trans (on the opposite chromosome) from a pathogenic variant. ClinVar contains an entry for this variant (Variation ID: 31166). Invitae Evidence Modeling of protein sequence and biophysical properties (such as structural, functional, and spatial information, amino acid conservation, physicochemical variation, residue mobility, and thermodynamic stability) indicates that this missense variant is not expected to disrupt POLR3B protein function with a negative predictive value of 80%. For these reasons, this variant has been classified as Pathogenic.

Blueprint Genetics
Classification: Pathogenic for POLR3B-related disorders. Last evaluated: 2024-11-21. Review status: criteria provided, single submitter. Criteria: ACMG Guidelines, 2015. Collection method: clinical testing. Allele origin: germline. Affected: yes. Observed: 5 variant alleles.

Women's Health and Genetics/Laboratory Corporation of America, LabCorp
Classification: Pathogenic for POLR-related leukodystrophy. Last evaluated: 2024-09-11. Review status: criteria provided, single submitter. Criteria: LabCorp Variant Classification Summary - May 2015. Collection method: clinical testing. Allele origin: germline.
Comment: Variant summary: POLR3B c.1568T>A (p.Val523Glu) results in a non-conservative amino acid change in the encoded protein sequence. Three of five in-silico tools predict a damaging effect of the variant on protein function. The variant allele was found at a frequency of 0.00027 in 251090 control chromosomes. This frequency is not significantly higher than estimated for a pathogenic variant in POLR3B causing POLR3-Related Leukodystrophy, allowing no conclusion about variant significance. c.1568T>A has been reported in the literature in multiple individuals affected with POLR3-Related Leukodystrophy (Tetreault_2011, Daoud_2013, Verberne_2022). These data indicate that the variant is very likely to be associated with disease. To our knowledge, no experimental evidence demonstrating an impact on protein function has been reported. The following publications have been ascertained in the context of this evaluation (PMID: 22036172, 23355746, 35253369). ClinVar contains an entry for this variant (Variation ID: 31166). Based on the evidence outlined above, the variant was classified as pathogenic.

Institute of Human Genetics, Heidelberg University
Classification: Pathogenic for Leukodystrophy, hypomyelinating, 8, with or without oligodontia and/or hypogonadotropic hypogonadism. Last evaluated: 2024-03-01. Review status: criteria provided, single submitter. Criteria: ACMG Guidelines, 2015. Collection method: clinical testing. Allele origin: maternal. Affected: yes.